The following is an entry in ClinVar:

NM_000934.4(SERPINF2):c.511+6C>T

Gene: SERPINF2 (serpin family F member 2; plus strand). Cytogenetic location: 17p13.3.
Variant type: single nucleotide variant.
Coding change: c.511+6C>T on transcript NM_000934.4 (MANE Select); 6 bases into the intron after coding-DNA position 511, C replaced by T.
Molecular consequence: intron variant.
Genome position (GRCh38, 1-based): chr17:1,747,168, C>T. VCF-style: chr17-1747168-C-T. GRCh37 (hg19) VCF-style: chr17-1650462-C-T.
Other names: c.319+6C>T (NM_001165921.2); c.511+6C>T (NM_001165920.1).
Identifiers: ClinVar variation 3047785 (VCV003047785.2), dbSNP rs541869226, ClinGen allele CA8274208.

ClinVar aggregate classification (germline): Likely benign (0 of 4 stars; one submission).

Conditions:
SERPINF2-related disorder. Also called: SERPINF2-related condition.

Allele frequency attached by ClinVar (database versions not stated): 1000 Genomes Project 30x 0.00031; 1000 Genomes Project 0.00040.
gnomAD v4.1: 125 of 1,612,074 alleles (0.0078%); highest among the groups gnomAD compares: South Asian, 0.11%; 2 homozygotes.

Submission:

PreventionGenetics, part of Exact Sciences
Classification: Likely benign for SERPINF2-related condition. Last evaluated: 2019-03-20. Review status: no assertion criteria provided. Collection method: clinical testing. Allele origin: germline.
Comment: This variant is classified as likely benign based on ACMG/AMP sequence variant interpretation guidelines (Richards et al. 2015 PMID: 25741868, with internal and published modifications).